The following is an entry in ClinVar:

NM_000090.4(COL3A1):c.3221G>A (p.Gly1074Asp)

Gene: COL3A1 (collagen type III alpha 1 chain; plus strand). Cytogenetic location: 2q32.2.
Variant type: single nucleotide variant.
Coding change: c.3221G>A on transcript NM_000090.4 (MANE Select); coding-DNA position 3221, G replaced by A.
Protein change: p.Gly1074Asp; replaces glycine 1074 with aspartic acid.
Molecular consequence: missense variant.
Genome position (GRCh38, 1-based): chr2:189,006,956, G>A. VCF-style: chr2-189006956-G-A. GRCh37 (hg19) VCF-style: chr2-189871682-G-A.
Other names: short protein forms G1074D.
Identifiers: ClinVar variation 1067181 (VCV001067181.11), dbSNP rs2153503790, ClinGen allele CA349845264.

ClinVar aggregate classification (germline): Likely pathogenic (1 of 4 stars; one submission).

Conditions:
Ehlers-Danlos syndrome, type 4 (EDSVASC). Also called: Ehlers-Danlos syndrome vascular type; Ehlers Danlos syndrome, ecchymotic type; Ehlers Danlos syndrome, arterial type; Ehlers Danlos syndrome, Sack-Barabas type; Ehlers-Danlos Syndrome Type IV. Identifiers: Orphanet 286, MedGen C0268338, MONDO:0017314, OMIM 130050.

Submission:

Labcorp Genetics (formerly Invitae), Labcorp
Classification: Likely pathogenic for Ehlers-Danlos syndrome, type 4. Last evaluated: 2020-10-19. Review status: criteria provided, single submitter. Criteria: Invitae Variant Classification Sherloc (09022015). Collection method: clinical testing. Allele origin: germline.
Comment: This sequence change replaces glycine with aspartic acid at codon 1074 of the COL3A1 protein (p.Gly1074Asp). The glycine residue is moderately conserved and there is a moderate physicochemical difference between glycine and aspartic acid. This variant is not present in population databases (ExAC no frequency). This variant has not been reported in the literature in individuals with COL3A1-related conditions. Advanced modeling of protein sequence and biophysical properties (such as structural, functional, and spatial information, amino acid conservation, physicochemical variation, residue mobility, and thermodynamic stability) performed at Invitae indicates that this missense variant is expected to disrupt COL3A1 protein function. This variant disrupts the triple helix domain of COL3A1. Glycine residues within the Gly-Xaa-Yaa repeats of the triple helix domain are required for the structure and stability of fibrillar collagens (PMID: 7695699, 8218237, 19344236). In COL3A1, variants that affect these glycine residues are significantly enriched in individuals with disease (PMID: 24922459, 25758994) compared to the general population (ExAC). In summary, the currently available evidence indicates that the variant is pathogenic, but additional data are needed to prove that conclusively. Therefore, this variant has been classified as Likely Pathogenic.

Literature cited by the submitters: PubMed 7695699; PubMed 8218237; PubMed 19344236; PubMed 24922459; PubMed 25758994.